The following is an entry in ClinVar:

ClinVar aggregate classification (germline): Uncertain significance (1 of 4 stars; one submission).

gnomAD v4.1: 1 of 1,612,520 alleles (0.000062%); highest among the groups gnomAD compares: Non-Finnish European, 0.000085%; no homozygotes.

Submission:

Labcorp Genetics (formerly Invitae), Labcorp
Classification: Uncertain significance. Last evaluated: 2025-11-06. Review status: criteria provided, single submitter. Criteria: Invitae Variant Classification Sherloc (09022015). Collection method: clinical testing. Allele origin: germline.
Comment: This sequence change replaces leucine, which is neutral and non-polar, with valine, which is neutral and non-polar, at codon 67 of the POMP protein (p.Leu67Val). This variant is not present in population databases (gnomAD no frequency). This variant has not been reported in the literature in individuals affected with POMP-related conditions. An algorithm developed to predict the effect of missense changes on protein structure and function (PolyPhen-2) suggests that this variant is likely to be tolerated. In summary, the available evidence is currently insufficient to determine the role of this variant in disease. Therefore, it has been classified as a Variant of Uncertain Significance.

NM_015932.6(POMP):c.199C>G (p.Leu67Val)

Gene: POMP (proteasome maturation protein; plus strand). Cytogenetic location: 13q12.3.
Variant type: single nucleotide variant.
Coding change: c.199C>G on transcript NM_015932.6 (MANE Select); coding-DNA position 199, C replaced by G.
Protein change: p.Leu67Val; replaces leucine 67 with valine.
Molecular consequence: missense variant.
Genome position (GRCh38, 1-based): chr13:28,668,509, C>G. VCF-style: chr13-28668509-C-G. GRCh37 (hg19) VCF-style: chr13-29242646-C-G.
Other names: short protein forms L67V.
Identifiers: ClinVar variation 4730672 (VCV004730672.1).